The following is an entry in ClinVar:

NM_014159.7(SETD2):c.6970G>T (p.Ala2324Ser)

Gene: SETD2 (SET domain containing 2, histone lysine methyltransferase; minus strand). Cytogenetic location: 3p21.31.
Variant type: single nucleotide variant.
Coding change: c.6970G>T on transcript NM_014159.7 (MANE Select); coding-DNA position 6970, G replaced by T.
Protein change: p.Ala2324Ser; replaces alanine 2324 with serine.
Molecular consequence: missense variant. On other transcripts: non-coding transcript variant (1).
Genome position (GRCh38, 1-based): chr3:47,046,615, C>A on the plus strand (G>T on the coding strand, the complement: SETD2 is on the minus strand). VCF-style: chr3-47046615-C-A. GRCh37 (hg19) VCF-style: chr3-47088105-C-A.
Other names: NC_000003.11:g.47088105C>A; c.6838G>T, p.Ala2280Ser (NM_001349370.3); short protein forms A2280S, A2324S.
Identifiers: ClinVar variation 717583 (VCV000717583.8), dbSNP rs1162711197, ClinGen allele CA352515734.
Genomic context (GRCh38, chr3:47,046,615, plus strand): 5'-CTCCTTGTGGATGAGCTGTGAAAATCTGTTGCCCCTGGATATACTGAAGACTTGGCTGGG[C>A]ATAACTCTAAAAGATAAAATGAAGAAATCAATAATTTAAGCTTTTGTCACTTTAATAAAC-3'
Protein context (NP_054878.5, residues 2314-2334): QTTPPIVQSY[Ala2324Ser]QPSLQYIQGQ

ClinVar aggregate classification (germline): Conflicting classifications of pathogenicity. Review status: criteria provided, conflicting classifications (1 of 4 stars). 3 submissions from 3 submitters: Uncertain significance (2); Benign (1). Last evaluated 2023-05-11.

Submissions (4):

GeneDx
Classification: Uncertain significance. Last evaluated: 2023-05-11. Review status: criteria provided, single submitter. Criteria: GeneDx Variant Classification Process June 2021. Collection method: clinical testing. Allele origin: germline. Affected: yes.
Comment: Not observed at significant frequency in large population cohorts (gnomAD); In silico analysis supports that this missense variant does not alter protein structure/function; Has not been previously published as pathogenic or benign to our knowledge

Revvity Omics, Revvity
Classification: Uncertain significance. Last evaluated: 2020-10-01. Review status: criteria provided, single submitter. Criteria: ACMG Guidelines, 2015. Collection method: clinical testing. Allele origin: germline.

Labcorp Genetics (formerly Invitae), Labcorp
Classification: Benign. Last evaluated: 2017-10-03. Review status: criteria provided, single submitter. Criteria: Invitae Variant Classification Sherloc (09022015). Collection method: clinical testing. Allele origin: germline.

Dr. Peter K. Rogan Lab, Western University
No classification provided (evidence only). Condition: Ovarian serous cystadenocarcinoma. Review status: no classification provided. Collection method: in vitro. Allele origin: not applicable. Functional consequence: retained intron. Not counted in ClinVar's aggregate classification.